The following is an entry in ClinVar:

NM_001278116.2(L1CAM):c.3094A>G (p.Ser1032Gly)

Gene: L1CAM (L1 cell adhesion molecule; minus strand). Cytogenetic location: Xq28.
Variant type: single nucleotide variant.
Coding change: c.3094A>G on transcript NM_001278116.2 (MANE Select); coding-DNA position 3094, A replaced by G.
Protein change: p.Ser1032Gly; replaces serine 1032 with glycine.
Molecular consequence: missense variant.
Genome position (GRCh38, 1-based): chrX:153,864,657, T>C on the plus strand (A>G on the coding strand, the complement: L1CAM is on the minus strand). VCF-style: chrX-153864657-T-C. GRCh37 (hg19) VCF-style: chrX-153130112-T-C.
Other names: c.3094A>G, p.Ser1032Gly (NM_000425.5, NM_024003.3); c.3079A>G, p.Ser1027Gly (NM_001143963.2); short protein forms S1027G, S1032G.
Identifiers: ClinVar variation 4848440 (VCV004848440.1).
Genomic context (GRCh38, chrX:153,864,657, plus strand): 5'-TGAACAAGATATGGAACCTGAAGTTGCACTGGCCCTCCTTGGGGACCCAGGAGACGACAC[T>C]GTAGTTTTCACCCGCTGTGGCTGAGATGTTGCCAAAATCTGAGATCCCTGGGGGGATGCA-3'
Protein context (NP_001265045.1, residues 1022-1042): NISATAGENY[Ser1032Gly]VVSWVPKEGQ

ClinVar aggregate classification (germline): Uncertain significance (1 of 4 stars; one submission).

Submission:

Women's Health and Genetics/Laboratory Corporation of America, LabCorp
Classification: Uncertain significance. Last evaluated: 2026-04-17. Review status: criteria provided, single submitter. Criteria: LabCorp Variant Classification Summary - May 2015. Collection method: clinical testing. Allele origin: germline.
Comment: Variant summary: L1CAM c.3094A>G (p.Ser1032Gly) results in a non-conservative amino acid change in the encoded protein sequence. Algorithms developed to predict the effect of missense changes on protein structure and function are either unavailable or do not agree on the potential impact of this missense change. The variant was absent in 183473 control chromosomes. The available data on variant occurrences in the general population are insufficient to allow any conclusion about variant significance. To our knowledge, no occurrence of c.3094A>G in individuals affected with L1CAM-related conditions and no experimental evidence demonstrating its impact on protein function have been reported. No submitters have cited clinical-significance assessments for this variant to ClinVar. Based on the evidence outlined above, the variant was classified as uncertain significance.